The following is an entry in ClinVar:

ClinVar aggregate classification (germline): Uncertain significance. Review status: criteria provided, multiple submitters, no conflicts (2 of 4 stars). 3 submissions from 3 submitters: Uncertain significance (3). Last evaluated 2025-02-28.

Conditions:
Early-infantile DEE. Also called: Ohtahara syndrome; Early infantile epileptic encephalopathy with suppression bursts; Early infantile epileptic encephalopathy. Identifiers: Orphanet 1934, MedGen C0393706, MONDO:0800491.
SPTAN1-related disorder. Also called: SPTAN1-related condition; SPTAN1-related disorders.

gnomAD v4.1: 1 of 1,614,222 alleles (0.000062%); highest among the groups gnomAD compares: Non-Finnish European, 0.000085%; no homozygotes.

Submissions (3):

PreventionGenetics, part of Exact Sciences
Classification: Uncertain significance for SPTAN1-related condition. Last evaluated: 2025-02-28. Review status: criteria provided, single submitter. Criteria: ACMG Guidelines, 2015. Collection method: clinical testing. Allele origin: germline.
Comment: The SPTAN1 c.4547A>C variant is predicted to result in the amino acid substitution p.His1516Pro. To our knowledge, this variant has not been reported in the literature or in a large population database (gnomAD), indicating this variant is rare. At this time, the clinical significance of this variant is uncertain due to the absence of conclusive functional and genetic evidence.

GeneDx
Classification: Uncertain significance. Last evaluated: 2023-06-27. Review status: criteria provided, single submitter. Criteria: GeneDx Variant Classification Process June 2021. Collection method: clinical testing. Allele origin: germline. Affected: yes.
Comment: Not observed at significant frequency in large population cohorts (gnomAD); In silico analysis supports that this missense variant has a deleterious effect on protein structure/function; Has not been previously published as pathogenic or benign to our knowledge

Labcorp Genetics (formerly Invitae), Labcorp
Classification: Uncertain significance for Early-infantile DEE. Last evaluated: 2016-08-31. Review status: criteria provided, single submitter. Criteria: Invitae Variant Classification Sherloc (09022015). Collection method: clinical testing. Allele origin: germline.
Comment: This sequence change replaces histidine with proline at codon 1516 of the SPTAN1 protein (p.His1516Pro). The histidine residue is highly conserved and there is a moderate physicochemical difference between histidine and proline. This variant is not present in population databases (ExAC no frequency) and has not been reported in the literature in individuals with a SPTAN1-related disease. Algorithms developed to predict the effect of missense changes on protein structure and function (SIFT, PolyPhen-2, Align-GVGD) all suggest that this variant is likely to be disruptive, but these predictions have not been confirmed by published functional studies. In summary, this variant is a novel missense change with uncertain impact on protein function. It has been classified as a Variant of Uncertain Significance.

NM_001130438.3(SPTAN1):c.4547A>C (p.His1516Pro)

Gene: SPTAN1 (spectrin alpha, non-erythrocytic 1; plus strand). Cytogenetic location: 9q34.11.
Variant type: single nucleotide variant.
Coding change: c.4547A>C on transcript NM_001130438.3 (MANE Select); coding-DNA position 4547, A replaced by C.
Protein change: p.His1516Pro; replaces histidine 1516 with proline.
Molecular consequence: missense variant.
Genome position (GRCh38, 1-based): chr9:128,608,929, A>C. VCF-style: chr9-128608929-A-C. GRCh37 (hg19) VCF-style: chr9-131371208-A-C.
Other names: c.4487A>C, p.His1496Pro (NM_001195532.2, NM_001363765.2); c.4547A>C, p.His1516Pro (NM_001363759.2, NM_003127.4); short protein forms H1516P, H1496P.
Identifiers: ClinVar variation 411796 (VCV000411796.12), dbSNP rs1060503491, ClinGen allele CA16612727.